The following is an entry in ClinVar:

ClinVar aggregate classification (germline): Likely pathogenic (1 of 4 stars; one submission).

Conditions:
Intellectual developmental disorder with autism and speech delay. Also called: Autism, susceptibility to, 5; Autism 5; AUTISM-RELATED SPEECH DELAY; PHRASE SPEECH DELAY, AUTISM-RELATED; AUTS5. Identifiers: MedGen C1853755, MONDO:0011627, OMIM 606053.

Submission:

Institute of Immunology and Genetics Kaiserslautern
Classification: Likely pathogenic for Intellectual developmental disorder with autism and speech delay. Last evaluated: 2025-11-10. Review status: criteria provided, single submitter. Criteria: ACMG Guidelines, 2015. Collection method: clinical testing. Allele origin: paternal. Affected: yes.
Comment: ACMG Criteria: PVS1, PM2; Variant was found in heterozygous state.

NM_006593.4(TBR1):c.1548C>G (p.Tyr516Ter)

Genes: TBR1 (T-box brain transcription factor 1; plus strand), LOC129935026 (ATAC-STARR-seq lymphoblastoid silent region 12060; plus strand). Cytogenetic location: 2q24.2.
Variant type: single nucleotide variant.
Coding change: c.1548C>G on transcript NM_006593.4 (MANE Select); coding-DNA position 1548, C replaced by G.
Protein change: p.Tyr516Ter; replaces tyrosine 516 with a stop codon.
Molecular consequence: nonsense.
Genome position (GRCh38, 1-based): chr2:161,423,726, C>G. VCF-style: chr2-161423726-C-G. GRCh37 (hg19) VCF-style: chr2-162280237-C-G.
Other names: short protein forms Y516*.
Identifiers: ClinVar variation 4851442 (VCV004851442.1).
Genomic context (GRCh38, chr2:161,423,726, plus strand): 5'-GGCCTCGGCCTATGACACGGCCACGGACTTCGCGGGCAACGCGGCCACGCTGCTCTCTTA[C>G]GCGGCGGCGGGCGTGAAGGCGCTGCCGCTGCAGGCTGCAGGCTGCACTGGCCGCCCGCTC-3'